The following is an entry in ClinVar:

ClinVar aggregate classification (germline): Likely pathogenic (1 of 4 stars; one submission).

Conditions:
PKD1L1-related disorder. Also called: PKD1L1-related condition.

Submission:

PreventionGenetics, part of Exact Sciences
Classification: Likely pathogenic for PKD1L1-related condition. Last evaluated: 2022-08-29. Review status: criteria provided, single submitter. Criteria: ACMG Guidelines, 2015. Collection method: clinical testing. Allele origin: germline.
Comment: The PKD1L1 c.1872G>A variant is predicted to result in premature protein termination (p.Trp624*). To our knowledge, this variant has not been reported in the literature or in a large population database, indicating this variant is rare. Nonsense variants in PKD1L1 are expected to be pathogenic. This variant is interpreted as likely pathogenic.

NM_138295.5(PKD1L1):c.1872G>A (p.Trp624Ter)

Gene: PKD1L1 (polycystin 1 like 1, transient receptor potential channel interacting; minus strand). Cytogenetic location: 7p12.3.
Variant type: single nucleotide variant.
Coding change: c.1872G>A on transcript NM_138295.5 (MANE Select); coding-DNA position 1872, G replaced by A.
Protein change: p.Trp624Ter; replaces tryptophan 624 with a stop codon.
Molecular consequence: nonsense.
Genome position (GRCh38, 1-based): chr7:47,904,437, C>T on the plus strand (G>A on the coding strand, the complement: PKD1L1 is on the minus strand). VCF-style: chr7-47904437-C-T. GRCh37 (hg19) VCF-style: chr7-47944034-C-T.
Other names: short protein forms W624*.
Identifiers: ClinVar variation 2636545 (VCV002636545.1), dbSNP rs1787156507, ClinGen allele CA367492059.
Genomic context (GRCh38, chr7:47,904,437, plus strand): 5'-CCTACTGTAGACATGGCTGCTGGAGCTGCTCCCCAGGCTGACGGTGCCATCCCCAAAGTC[C>T]CACAGGTAGGCAACATCTGTGCCGAAGTTGATCCAGCACTCAAAGGCCACACTGGCATTT-3'